The following is an entry in ClinVar:

ClinVar aggregate classification (germline): Uncertain significance. Review status: criteria provided, multiple submitters, no conflicts (2 of 4 stars). 2 submissions from 2 submitters: Uncertain significance (2). Last evaluated 2023-08-04.

Allele frequency attached by ClinVar (database versions not stated): gnomAD exomes below 0.00001; gnomAD 0.00001.
gnomAD v4.1: 2 of 1,613,820 alleles (0.00012%); highest among the groups gnomAD compares: Admixed American, 0.0017%; no homozygotes.

Submissions (2):

Women's Health and Genetics/Laboratory Corporation of America, LabCorp
Classification: Uncertain significance. Last evaluated: 2023-08-04. Review status: criteria provided, single submitter. Criteria: LabCorp Variant Classification Summary - May 2015. Collection method: clinical testing. Allele origin: germline.
Comment: Variant summary: GBA c.350T>C (p.Val117Ala) results in a non-conservative amino acid change located in the glycosyl hydrolase family 30, TIM-barrel domain (IPR033453) of the encoded protein sequence. Five of five in-silico tools predict a damaging effect of the variant on protein function. The variant was absent in 251482 control chromosomes (gnomAD). The available data on variant occurrences in the general population are insufficient to allow any conclusion about variant significance. c.350T>C has been reported in the literature as a compound heterozygous genotype in an individual affected with Gaucher Disease (Duarte_2020, no PMID), and as an uninformative genotype (i.e. zygosity not specified) in at least one other affected individual (Hruska_2008). It has also been reported in an individual affected with Parkinson's disease (Jesus_2016). These data do not allow any conclusion about variant significance. To our knowledge, no experimental evidence demonstrating an impact on protein function has been reported. The following publications have been ascertained in the context of this evaluation (PMID: 18338393, 28030538). One submitter has provided a clinical-significance assessment for this variant to ClinVar after 2014 and has classified the variant as uncertain significance. Based on the evidence outlined above, the variant was classified as uncertain significance.

ARUP Laboratories, Molecular Genetics and Genomics, ARUP Laboratories
Classification: Uncertain significance. Last evaluated: 2022-11-02. Review status: criteria provided, single submitter. Criteria: ARUP Molecular Germline Variant Investigation Process 2021. Collection method: clinical testing. Allele origin: germline.
Comment: The GBA c.350T>C; p.Val117Ala variant (rs1671973382) is reported in the literature in an individual affected with Gaucher disease (Hruska 2008). This variant is absent from the Genome Aggregation Database, indicating it is not a common polymorphism. The valine at codon 117 is highly conserved, and computational analyses predict that this variant is deleterious (REVEL: 0.807). However, given the lack of clinical and functional data, the significance of the p.Val117Ala variant is uncertain at this time. References: Hruska KS et al. Gaucher disease: mutation and polymorphism spectrum in the glucocerebrosidase gene (GBA). Hum Mutat. 2008 May;29(5):567-83. PMID: 18338393.

Literature cited by the submitters: PubMed 18338393 (cited by Women's Health and Genetics/Laboratory Corporation of America, LabCorp); PubMed 28030538 (cited by Women's Health and Genetics/Laboratory Corporation of America, LabCorp).

NM_000157.4(GBA1):c.350T>C (p.Val117Ala)

Genes: GBA1 (glucosylceramidase beta 1; minus strand), LOC106627981 (GBA recombination region; plus strand). Cytogenetic location: 1q22.
Variant type: single nucleotide variant.
Coding change: c.350T>C on transcript NM_000157.4 (MANE Select); coding-DNA position 350, T replaced by C.
Protein change: p.Val117Ala; replaces valine 117 with alanine.
Molecular consequence: missense variant. On other transcripts: intron variant (1).
Genome position (GRCh38, 1-based): chr1:155,239,720, A>G on the plus strand (T>C on the coding strand, the complement: GBA1 is on the minus strand). VCF-style: chr1-155239720-A-G. GRCh37 (hg19) VCF-style: chr1-155209511-A-G.
Other names: c.350T>C, p.Val117Ala (NM_001005741.3, NM_001005742.3); c.89T>C, p.Val30Ala (NM_001171811.2); c.307+166T>C (NM_001171812.2); c.350T>C (NM_001005741.2); short protein forms V117A, V30A.
Identifiers: ClinVar variation 2428704 (VCV002428704.4), dbSNP rs1671973382, ClinGen allele CA342726360.